The following is an entry in ClinVar:

ClinVar aggregate classification (germline): Conflicting classifications of pathogenicity. Review status: criteria provided, conflicting classifications (1 of 4 stars). 2 submissions from 2 submitters: Pathogenic (1); Uncertain significance (1). Last evaluated 2025-10-04.

Conditions:
Hereditary cancer-predisposing syndrome. Also called: Neoplastic Syndromes, Hereditary; Tumor predisposition; Hereditary Cancer Syndrome; Hereditary neoplastic syndrome. Identifiers: Orphanet 140162, MedGen C0027672, MeSH D009386, MONDO:0015356.
EGFR-related lung cancer (EGFR). Identifiers: MedGen CN130014.

Submissions (2):

Labcorp Genetics (formerly Invitae), Labcorp
Classification: Pathogenic for EGFR-related lung cancer. Last evaluated: 2025-10-04. Review status: criteria provided, single submitter. Criteria: Invitae Variant Classification Sherloc (09022015). Collection method: clinical testing. Allele origin: germline.
Comment: This sequence change creates a premature translational stop signal (p.Cys187Leufs*2) in the EGFR gene. It is expected to result in an absent or disrupted protein product. Loss-of-function variants in EGFR are known to be pathogenic (PMID: 7630400, 28726809, 29899996). This variant is not present in population databases (gnomAD no frequency). This premature translational stop signal has been observed in individual(s) with neonatal inflammatory skin and bowel disease (PMID: 28726809). This variant is also known as c.560-2_565delAGGCCAAA. ClinVar contains an entry for this variant (Variation ID: 1022540). Algorithms developed to predict the effect of sequence changes on RNA splicing suggest that this variant may disrupt the consensus splice site. For these reasons, this variant has been classified as Pathogenic.

Ambry Genetics
Classification: Uncertain significance for Hereditary cancer-predisposing syndrome. Last evaluated: 2025-03-26. Review status: criteria provided, single submitter. Criteria: Ambry Variant Classification Scheme 2023. Collection method: clinical testing. Allele origin: germline.
Comment: The c.560_567delGCCAAAAG variant, located in coding exon 5 of the EGFR gene, results from a deletion of 8 nucleotides at nucleotide positions 560 to 567, causing a translational frameshift with a predicted alternate stop codon (p.C187Lfs*2). This alteration is expected to result in loss of function by premature protein truncation or nonsense-mediated mRNA decay. Loss-of-function variants subject to nonsense mediated decay (NMD) in EGFR are known to cause EGFR-related neonatal inflammatory skin and bowel disease; however, such associations with EGFR-related lung cancer have not been reported. Based on the supporting evidence, this alteration is pathogenic for EGFR-related neonatal inflammatory skin and bowel disease; however, the association of this alteration with EGFR-related lung cancer is unknown.

Literature cited by the submitters: PubMed 7630400 (cited by Labcorp Genetics (formerly Invitae), Labcorp); PubMed 28726809 (cited by Labcorp Genetics (formerly Invitae), Labcorp); PubMed 29899996 (cited by Labcorp Genetics (formerly Invitae), Labcorp).

NM_005228.3(EGFR):c.560_567delGCCAAAAG

Gene: EGFR (epidermal growth factor receptor; plus strand). Cytogenetic location: 7p11.2.
Variant type: Deletion.
Coding change: c.560_567delGCCAAAAG on transcript NM_005228.3; coding-DNA positions 560 to 567, 8 bases deleted (GCCAAAAG).
Molecular consequence: intron variant (on NM_001346941.2).
Genome position (GRCh38, 1-based): chr7:55,151,294-55,151,301, GCCAAAAG deleted; deleting any 8 consecutive bases within chr7:55,151,292-55,151,301 gives the same sequence; the c. name uses the placement nearest the transcript's 3' end. VCF-style (leftmost placement, unchanged base first): chr7-55151291-CAGGCCAAA-C. GRCh37 (hg19) VCF-style: chr7-55218984-CAGGCCAAA-C.
Other names: c.89-4536_89-4529del (NM_001346941.2).
Identifiers: ClinVar variation 1022540 (VCV001022540.9), dbSNP rs1271819892, ClinGen allele CA454963228.